The following is an entry in ClinVar:

NM_000137.4(FAH):c.982C>T (p.Gln328Ter)

Gene: FAH (fumarylacetoacetate hydrolase; plus strand). Cytogenetic location: 15q25.1.
Variant type: single nucleotide variant.
Coding change: c.982C>T on transcript NM_000137.4 (MANE Select); coding-DNA position 982, C replaced by T.
Protein change: p.Gln328Ter; replaces glutamine 328 with a stop codon.
Molecular consequence: nonsense.
Genome position (GRCh38, 1-based): chr15:80,180,145, C>T. VCF-style: chr15-80180145-C-T. GRCh37 (hg19) VCF-style: chr15-80472487-C-T.
Other names: c.982C>T, p.Gln328Ter (NM_001374377.1, NM_001374380.1); short protein forms Q328*.
Identifiers: ClinVar variation 813492 (VCV000813492.9), dbSNP rs765134063, ClinGen allele CA7691432.

ClinVar aggregate classification (germline): Pathogenic. Review status: criteria provided, multiple submitters, no conflicts (2 of 4 stars). 2 submissions from 2 submitters: Pathogenic (2). Last evaluated 2024-12-26.

Conditions:
Tyrosinemia type I (TYRSN1). Also called: HEPATORENAL TYROSINEMIA; Tyrosinemia type 1; Fumarylacetoacetase deficiency; FAH DEFICIENCY; Deficiency of fumarylacetoacetase. Identifiers: Orphanet 882, MedGen C0268490, MONDO:0010161, OMIM 276700. Disease mechanism: loss of function.

Allele frequency attached by ClinVar (database versions not stated): ExAC 0.00001; gnomAD exomes 0.00001 and below 0.00001.
gnomAD v4.1: 3 of 1,610,860 alleles (0.00019%); highest among the groups gnomAD compares: African/African-American, 0.0013%; no homozygotes.

Submissions (2):

Women's Health and Genetics/Laboratory Corporation of America, LabCorp
Classification: Pathogenic for Tyrosinemia type I. Last evaluated: 2024-12-26. Review status: criteria provided, single submitter. Criteria: LabCorp Variant Classification Summary - May 2015. Collection method: clinical testing. Allele origin: germline.
Comment: Variant summary: FAH c.982C>T (p.Gln328X) results in a premature termination codon, predicted to cause absence of the protein due to nonsense mediated decay, which is a commonly known mechanism for disease. The variant allele was found at a frequency of 8e-06 in 248840 control chromosomes (gnomAD). c.982C>T has been reported in the literature in individuals affected with Tyrosinemia Type 1 (e.g. Couce_2011). The following publication has been ascertained in the context of this evaluation (PMID: 21752152). ClinVar contains an entry for this variant (Variation ID: 813492). Based on the evidence outlined above, the variant was classified as pathogenic.

Labcorp Genetics (formerly Invitae), Labcorp
Classification: Pathogenic for Tyrosinemia type I. Last evaluated: 2023-02-22. Review status: criteria provided, single submitter. Criteria: Invitae Variant Classification Sherloc (09022015). Collection method: clinical testing. Allele origin: germline.
Comment: For these reasons, this variant has been classified as Pathogenic. ClinVar contains an entry for this variant (Variation ID: 813492). This premature translational stop signal has been observed in individual(s) with tyrosinemia type I (PMID: 12203990). The frequency data for this variant in the population databases is considered unreliable, as metrics indicate poor data quality at this position in the gnomAD database. This sequence change creates a premature translational stop signal (p.Gln328*) in the FAH gene. It is expected to result in an absent or disrupted protein product. Loss-of-function variants in FAH are known to be pathogenic (PMID: 9101289, 9633815).

Literature cited by the submitters: PubMed 21752152 (cited by Women's Health and Genetics/Laboratory Corporation of America, LabCorp); PubMed 12203990 (cited by Labcorp Genetics (formerly Invitae), Labcorp); PubMed 9101289 (cited by Labcorp Genetics (formerly Invitae), Labcorp); PubMed 9633815 (cited by Labcorp Genetics (formerly Invitae), Labcorp).